The following is an entry in ClinVar:

ClinVar aggregate classification (germline): Uncertain significance (1 of 4 stars; one submission).

Conditions:
Cardiovascular phenotype. Identifiers: MedGen CN230736.

Submission:

Ambry Genetics
Classification: Uncertain significance for Cardiovascular phenotype. Last evaluated: 2026-06-05. Review status: criteria provided, single submitter. Criteria: Ambry Variant Classification Scheme 2023. Collection method: clinical testing. Allele origin: germline.
Comment: The p.Q4161H variant (also known as c.12483A>T), located in coding exon 29 of the APOB gene, results from an A to T substitution at nucleotide position 12483. The glutamine at codon 4161 is replaced by histidine, an amino acid with highly similar properties. This amino acid position is conserved. In addition, this alteration is predicted to be tolerated by in silico analysis. Based on the available evidence, the clinical significance of this variant remains unclear.

NM_000384.3(APOB):c.12483A>T (p.Gln4161His)

Gene: APOB (apolipoprotein B; minus strand). Cytogenetic location: 2p24.1.
Variant type: single nucleotide variant.
Coding change: c.12483A>T on transcript NM_000384.3 (MANE Select); coding-DNA position 12483, A replaced by T.
Protein change: p.Gln4161His; replaces glutamine 4161 with histidine.
Molecular consequence: missense variant.
Genome position (GRCh38, 1-based): chr2:21,002,939, T>A on the plus strand (A>T on the coding strand, the complement: APOB is on the minus strand). VCF-style: chr2-21002939-T-A. GRCh37 (hg19) VCF-style: chr2-21225811-T-A.
Other names: short protein forms Q4161H.
Identifiers: ClinVar variation 4862732 (VCV004862732.1).